The following is an entry in ClinVar:

ClinVar aggregate classification (germline): Likely benign. Review status: criteria provided, multiple submitters, no conflicts (2 of 4 stars). 2 submissions from 2 submitters: Likely benign (2). Last evaluated 2025-11-26.

Allele frequency attached by ClinVar (database versions not stated): gnomAD 0.00002 and 0.00003; gnomAD exomes 0.00002; TOPMed 0.00003.

Submissions (2):

Labcorp Genetics (formerly Invitae), Labcorp
Classification: Likely benign. Last evaluated: 2025-11-26. Review status: criteria provided, single submitter. Criteria: Invitae Variant Classification Sherloc (09022015). Collection method: clinical testing. Allele origin: germline.

GeneDx
Classification: Likely benign. Last evaluated: 2017-12-28. Review status: criteria provided, single submitter. Criteria: GeneDx Variant Classification (06012015). Collection method: clinical testing. Allele origin: germline. Affected: yes.
Comment: This variant is considered likely benign or benign based on one or more of the following criteria: it is a conservative change, it occurs at a poorly conserved position in the protein, it is predicted to be benign by multiple in silico algorithms, and/or has population frequency not consistent with disease.

NM_002528.7(NTHL1):c.115+6G>A

Gene: NTHL1 (nth like DNA glycosylase 1; minus strand). Cytogenetic location: 16p13.3.
Variant type: single nucleotide variant.
Coding change: c.115+6G>A on transcript NM_002528.7 (MANE Select); 6 bases into the intron after coding-DNA position 115, G replaced by A.
Molecular consequence: intron variant.
Genome position (GRCh38, 1-based): chr16:2,047,703, C>T on the plus strand (G>A on the coding strand, the complement: NTHL1 is on the minus strand). VCF-style: chr16-2047703-C-T. GRCh37 (hg19) VCF-style: chr16-2097704-C-T.
Other names: c.-64+6G>A (NM_001318194.2); c.115+6G>A (NM_001318193.2, LRG_1366t1).
Identifiers: ClinVar variation 514530 (VCV000514530.11), dbSNP rs1036098566, ClinGen allele CA276766623.